The following is an entry in ClinVar:

ClinVar aggregate classification (germline): Uncertain significance. Review status: criteria provided, multiple submitters, no conflicts (2 of 4 stars). 3 submissions from 3 submitters: Uncertain significance (2). 1 of the submissions does not count toward it. Last evaluated 2025-12-14.

Conditions:
Hypogonadotropic hypogonadism 7 with or without anosmia (HH7). Also called: GNRHR-Related GnRH Deficiency; HYPOGONADOTROPIC HYPOGONADISM 7 WITHOUT ANOSMIA. Identifiers: Orphanet 432, MedGen C0342384, MONDO:0007794, OMIM 146110.
CHARGE syndrome (CHARGE). Also called: Hittner Hirsch Kreh syndrome; CHARGE ASSOCIATION--COLOBOMA, HEART ANOMALY, CHOANAL ATRESIA, RETARDATION, GENITAL AND EAR ANOMALIES; Coloboma, heart anomaly, choanal atresia, retardation, genital and ear anomalies; CHARGE association; Hall-Hittner syndrome. Identifiers: Orphanet 138, MedGen C0265354, MONDO:0008965.
SEMA3E-related disorder. Also called: SEMA3E-related condition.

Allele frequency attached by ClinVar (database versions not stated): gnomAD 0.00001 and 0.00002; TOPMed 0.00002; ExAC 0.00007.
gnomAD v4.1: 65 of 1,605,168 alleles (0.004%); highest among the groups gnomAD compares: Middle Eastern, 0.016%; no homozygotes.

Submissions (3):

Labcorp Genetics (formerly Invitae), Labcorp
Classification: Uncertain significance for CHARGE syndrome. Last evaluated: 2025-12-14. Review status: criteria provided, single submitter. Criteria: Invitae Variant Classification Sherloc (09022015). Collection method: clinical testing. Allele origin: germline.
Comment: This sequence change replaces alanine, which is neutral and non-polar, with valine, which is neutral and non-polar, at codon 112 of the SEMA3E protein (p.Ala112Val). This variant is present in population databases (rs780025635, gnomAD 0.008%). This variant has not been reported in the literature in individuals affected with SEMA3E-related conditions. ClinVar contains an entry for this variant (Variation ID: 1408435). An algorithm developed to predict the effect of missense changes on protein structure and function outputs the following: PolyPhen-2: "Benign". The valine amino acid residue is found in multiple mammalian species, which suggests that this missense change does not adversely affect protein function. In summary, the available evidence is currently insufficient to determine the role of this variant in disease. Therefore, it has been classified as a Variant of Uncertain Significance.

Fulgent Genetics
Classification: Uncertain significance for Hypogonadotropic hypogonadism 7 with or without anosmia; CHD7-related CHARGE syndrome. Last evaluated: 2022-05-03. Review status: criteria provided, single submitter. Criteria: ACMG Guidelines, 2015. Collection method: clinical testing. Allele origin: unknown.

PreventionGenetics, part of Exact Sciences
Classification: Uncertain significance for SEMA3E-related condition. Last evaluated: 2024-07-17. Review status: no assertion criteria provided. Collection method: clinical testing. Allele origin: germline. Not counted in ClinVar's aggregate classification.
Comment: The SEMA3E c.335C>T variant is predicted to result in the amino acid substitution p.Ala112Val. To our knowledge, this variant has not been reported in the literature. This variant is reported in 0.0079% of alleles in individuals of European (Non-Finnish) descent in gnomAD. At this time, the clinical significance of this variant is uncertain due to the absence of conclusive functional and genetic evidence.

NM_012431.3(SEMA3E):c.335C>T (p.Ala112Val)

Gene: SEMA3E (semaphorin 3E; minus strand). Cytogenetic location: 7q21.11.
Variant type: single nucleotide variant.
Coding change: c.335C>T on transcript NM_012431.3 (MANE Select); coding-DNA position 335, C replaced by T.
Protein change: p.Ala112Val; replaces alanine 112 with valine.
Molecular consequence: missense variant.
Genome position (GRCh38, 1-based): chr7:83,469,244, G>A on the plus strand (C>T on the coding strand, the complement: SEMA3E is on the minus strand). VCF-style: chr7-83469244-G-A. GRCh37 (hg19) VCF-style: chr7-83098560-G-A.
Other names: c.335C>T (NM_012431.2); c.155C>T, p.Ala52Val (NM_001178129.2); short protein forms A52V, A112V.
Identifiers: ClinVar variation 1408435 (VCV001408435.10), dbSNP rs780025635, ClinGen allele CA4322383.
Genomic context (GRCh38, chr7:83,469,244, plus strand): 5'-TTGTGGTTAACTAGGGATATAATTGATGATTTGTTTAATTTACAATGAATCATACTTACC[G>A]CATCTTTTCCCTTCATTATGCATTCTTCCATTTTTAGAGCTGTACTCGGCCAGTGTATCT-3'
Protein context (NP_036563.1, residues 102-122): MEECIMKGKD[Ala112Val]GECANYVRVL